The following is an entry in ClinVar:

ClinVar aggregate classification (germline): Conflicting classifications of pathogenicity. Review status: criteria provided, conflicting classifications (1 of 4 stars). 2 submissions from 2 submitters: Uncertain significance (1); Likely benign (1). Last evaluated 2026-03-18.

Conditions:
Intellectual developmental disorder, X-linked 101. Also called: Intellectual disability, X-linked 101. Identifiers: Orphanet 777, MedGen C3890168, MONDO:0010489, OMIM 300928.

gnomAD v4.1: 15 of 1,207,656 alleles (0.0012%); highest among the groups gnomAD compares: South Asian, 0.0053%; no homozygotes.

Submissions (2):

Centre for Medical Genetics,  Mumbai
Classification: Likely benign for Intellectual developmental disorder, X-linked 101. Last evaluated: 2026-03-18. Review status: criteria provided, single submitter. Criteria: ACMG Guidelines, 2015. Collection method: provider interpretation. Allele origin: germline. Inheritance: X-linked recessive inheritance. Affected: no. Observed: 1 variant allele, 1 homozygote.
Comment: The variant satisfies PM2 criteria; Extremely low frequency in gnomAD population databases. However, the variant satisfies BS2 criteria.

Ambry Genetics
Classification: Uncertain significance. Last evaluated: 2025-05-01. Review status: criteria provided, single submitter. Criteria: Ambry Variant Classification Scheme 2023. Collection method: clinical testing. Allele origin: germline.

Literature cited by the submitters: PubMed 24115387 (cited by Centre for Medical Genetics,  Mumbai).

NM_012216.4(MID2):c.1427C>T (p.Ala476Val)

Genes: MID2 (midline 2; plus strand), LOC101928335 (uncharacterized LOC101928335; minus strand). Cytogenetic location: Xq22.3.
Variant type: single nucleotide variant.
Coding change: c.1427C>T on transcript NM_012216.4 (MANE Select); coding-DNA position 1427, C replaced by T.
Protein change: p.Ala476Val; replaces alanine 476 with valine.
Molecular consequence: missense variant. On other transcripts: intron variant (2).
Genome position (GRCh38, 1-based): chrX:107,917,731, C>T. VCF-style: chrX-107917731-C-T. GRCh37 (hg19) VCF-style: chrX-107160961-C-T.
Other names: c.1367C>T, p.Ala456Val (NM_001382751.1); c.1285+82C>T (NM_001382752.1); c.1345+82C>T (NM_052817.3); short protein forms A456V, A476V.
Identifiers: ClinVar variation 4054864 (VCV004054864.2).